The following is an entry in ClinVar:

NM_025233.7(COASY):c.1057G>A (p.Glu353Lys)

Gene: COASY (Coenzyme A synthase; plus strand). Cytogenetic location: 17q21.2.
Variant type: single nucleotide variant.
Coding change: c.1057G>A on transcript NM_025233.7 (MANE Select); coding-DNA position 1057, G replaced by A.
Protein change: p.Glu353Lys; replaces glutamic acid 353 with lysine.
Molecular consequence: missense variant.
Genome position (GRCh38, 1-based): chr17:42,564,718, G>A. VCF-style: chr17-42564718-G-A. GRCh37 (hg19) VCF-style: chr17-40716736-G-A.
Other names: c.1057G>A, p.Glu353Lys (NM_001042529.3); c.1144G>A, p.Glu382Lys (NM_001042532.4); short protein forms E353K, E382K.
Identifiers: ClinVar variation 1349489 (VCV001349489.6), dbSNP rs1479221585, ClinGen allele CA399596949.
Genomic context (GRCh38, chr17:42,564,718, plus strand): 5'-CATGAGGCTGAGGGCCCCAGTAACTGTGGGTTCCCTTTCACCTATCCCCAGGAAAGGCCA[G>A]AGCTCCCCACATGTCTCTATGTAATTGGGCTGACTGGCATCAGTGGCTCTGGGAAGAGCT-3'
Protein context (NP_079509.5, residues 343-363): NLLRPPYERP[Glu353Lys]LPTCLYVIGL

ClinVar aggregate classification (germline): Uncertain significance (1 of 4 stars; one submission).

Conditions:
Neurodegeneration with brain iron accumulation 6 (NBIA6). Also called: COASY protein-associated neurodegeneration. Identifiers: Orphanet 397725, MedGen C4517377, MONDO:0014290, OMIM 615643.

Allele frequency attached by ClinVar (database versions not stated): gnomAD exomes below 0.00001.

Submission:

Labcorp Genetics (formerly Invitae), Labcorp
Classification: Uncertain significance for Neurodegeneration with brain iron accumulation 6. Last evaluated: 2022-01-31. Review status: criteria provided, single submitter. Criteria: Invitae Variant Classification Sherloc (09022015). Collection method: clinical testing. Allele origin: germline.
Comment: Algorithms developed to predict the effect of missense changes on protein structure and function (SIFT, PolyPhen-2, Align-GVGD) all suggest that this variant is likely to be tolerated. In summary, the available evidence is currently insufficient to determine the role of this variant in disease. Therefore, it has been classified as a Variant of Uncertain Significance. This variant has not been reported in the literature in individuals affected with COASY-related conditions. This variant is not present in population databases (gnomAD no frequency). This sequence change replaces glutamic acid, which is acidic and polar, with lysine, which is basic and polar, at codon 353 of the COASY protein (p.Glu353Lys).